The following is an entry in ClinVar:

NM_001271.4(CHD2):c.4009-13_4009-4del

Gene: CHD2 (chromodomain helicase DNA binding protein 2; plus strand). Cytogenetic location: 15q26.1.
Variant type: Deletion.
Coding change: c.4009-13_4009-4del on transcript NM_001271.4 (MANE Select); 13 bases into the intron before coding-DNA position 4009 through 4 bases into the intron before coding-DNA position 4009, 10 bases deleted (TCTCCTTTTC; older notation c.4009-13_4009-4delTCTCCTTTTC).
Molecular consequence: intron variant.
Genome position (GRCh38, 1-based): chr15:93,000,499-93,000,508, TCTCCTTTTC deleted; deleting any 10 consecutive bases within chr15:93,000,494-93,000,508 gives the same sequence; the c. name uses the placement nearest the transcript's 3' end. VCF-style (leftmost placement, unchanged base first): chr15-93000493-ATTTTCTCTCC-A. GRCh37 (hg19) VCF-style: chr15-93543723-ATTTTCTCTCC-A.
Identifiers: ClinVar variation 2580380 (VCV002580380.1), dbSNP rs2505599172, ClinGen allele CA2580618125.
Genomic context (GRCh38, chr15:93,000,493, plus strand): 5'-AAAGAGTCATCATGTTGTTTGGTTATGCTTTTGAGTGTCTTGATTTGTATTTTAATCATC[ATTTTCTCTCC>A]TTTTCCAGGCCAAATTAAAGAAGCGGAAGCCTCGGGTAAAGAAGGAAAACAAAGTGCCCA-3'

ClinVar aggregate classification (germline): Uncertain significance (1 of 4 stars; one submission).

Submission:

GeneDx
Classification: Uncertain significance. Last evaluated: 2023-03-22. Review status: criteria provided, single submitter. Criteria: GeneDx Variant Classification Process June 2021. Collection method: clinical testing. Allele origin: germline. Affected: yes.
Comment: Not observed at significant frequency in large population cohorts (gnomAD); In silico analysis is inconclusive as to whether the variant alters gene splicing. In the absence of RNA/functional studies, the actual effect of this sequence change is unknown.; Has not been previously published as pathogenic or benign to our knowledge